The following is an entry in ClinVar:

ClinVar aggregate classification (germline): Likely benign (1 of 4 stars; one submission).

gnomAD v4.1: 1,668 of 1,614,156 alleles (0.1%); highest among the groups gnomAD compares: Non-Finnish European, 0.13%; 1 homozygote.

Submission:

CeGaT Center for Human Genetics Tuebingen
Classification: Likely benign. Last evaluated: 2026-05-01. Review status: criteria provided, single submitter. Criteria: CeGaT Center For Human Genetics Tuebingen Variant Classification Criteria Version 2. Collection method: clinical testing. Allele origin: germline. Affected: yes. Observed: 1 variant allele.
Comment: MLIP: BP4, BP7

NM_001281747.2(MLIP):c.423C>T (p.Val141=)

Genes: MLIP (muscular LMNA interacting protein; plus strand), LOC126859697 (CDK7 strongly-dependent group 2 enhancer GRCh37_chr6:53989184-53990383; plus strand). Cytogenetic location: 6p12.1.
Variant type: single nucleotide variant.
Coding change: c.423C>T on transcript NM_001281747.2 (MANE Select); coding-DNA position 423, C replaced by T.
Protein change: p.Val141=; no amino-acid change (valine 141 retained).
Molecular consequence: synonymous variant.
Genome position (GRCh38, 1-based): chr6:54,124,643, C>T. VCF-style: chr6-54124643-C-T. GRCh37 (hg19) VCF-style: chr6-53989441-C-T.
Other names: c.390C>T, p.Val130= (NM_001281746.2, NM_138569.3).
Identifiers: ClinVar variation 4871970 (VCV004871970.2).